The following is an entry in ClinVar:

NM_001271938.2(MEGF8):c.5686C>T (p.His1896Tyr)

Gene: MEGF8 (multiple EGF like domains 8; plus strand). Cytogenetic location: 19q13.2.
Variant type: single nucleotide variant.
Coding change: c.5686C>T on transcript NM_001271938.2 (MANE Select); coding-DNA position 5686, C replaced by T.
Protein change: p.His1896Tyr; replaces histidine 1896 with tyrosine.
Molecular consequence: missense variant.
Genome position (GRCh38, 1-based): chr19:42,360,972, C>T. VCF-style: chr19-42360972-C-T. GRCh37 (hg19) VCF-style: chr19-42865124-C-T.
Other names: c.5485C>T (NM_001410.2); c.5485C>T, p.His1829Tyr (NM_001410.3); short protein forms H1829Y, H1896Y.
Identifiers: ClinVar variation 2969482 (VCV002969482.5), dbSNP rs150311870, ClinGen allele CA9475638.

ClinVar aggregate classification (germline): Conflicting classifications of pathogenicity. Review status: criteria provided, conflicting classifications (1 of 4 stars). 2 submissions from 2 submitters: Uncertain significance (1); Benign (1). Last evaluated 2026-02-05.

Conditions:
MEGF8-related Carpenter syndrome. Also called: Carpenter syndrome 2. Identifiers: Orphanet 65759, MedGen C3554247, MONDO:0013998, OMIM 614976.

Allele frequency attached by ClinVar (database versions not stated): gnomAD exomes 0.00034; TOPMed 0.00043; gnomAD 0.00044; ExAC 0.00046; ESP Exome Variant Server 0.00054.
gnomAD v4.1: 597 of 1,575,320 alleles (0.038%); highest among the groups gnomAD compares: Non-Finnish European, 0.0074%; 7 homozygotes.

Submissions (2):

GeneDx
Classification: Uncertain significance. Last evaluated: 2026-02-05. Review status: criteria provided, single submitter. Criteria: GeneDx Variant Classification Process June 2021. Collection method: clinical testing. Allele origin: germline.
Comment: In silico analysis suggests that this missense variant does not alter protein structure/function; Has not been previously published as pathogenic or benign to our knowledge

Labcorp Genetics (formerly Invitae), Labcorp
Classification: Benign for MEGF8-related Carpenter syndrome. Last evaluated: 2026-01-09. Review status: criteria provided, single submitter. Criteria: Invitae Variant Classification Sherloc (09022015). Collection method: clinical testing. Allele origin: germline.